The following is an entry in ClinVar:

ClinVar aggregate classification (germline): Uncertain significance (1 of 4 stars; one submission).

gnomAD v4.1: 2 of 152,244 alleles (0.0013%); highest among the groups gnomAD compares: East Asian, 0.019%; no homozygotes.

Submission:

GeneDx
Classification: Uncertain significance. Last evaluated: 2024-09-11. Review status: criteria provided, single submitter. Criteria: GeneDx Variant Classification Process June 2021. Collection method: clinical testing. Allele origin: germline. Affected: yes.
Comment: RNA studies demonstrate a damaging effect with abnormal splicing products predicted to produce premature termination (PMID: 36098976); Reported in an individual with Wolfram syndrome who has an additional WFS1 variant (PMID: 36098976); No data available from control populations to assess the frequency of this variant; This variant is associated with the following publications: (PMID: 36098976)

NM_006005.3(WFS1):c.712+681C>T

Gene: WFS1 (wolframin ER transmembrane glycoprotein; plus strand). Cytogenetic location: 4p16.1.
Variant type: single nucleotide variant.
Coding change: c.712+681C>T on transcript NM_006005.3 (MANE Select); 681 bases into the intron after coding-DNA position 712, C replaced by T.
Molecular consequence: intron variant.
Genome position (GRCh38, 1-based): chr4:6,292,678, C>T. VCF-style: chr4-6292678-C-T. GRCh37 (hg19) VCF-style: chr4-6294405-C-T.
Other names: c.712+681C>T (NM_001145853.1).
Identifiers: ClinVar variation 3769910 (VCV003769910.1).
Genomic context (GRCh38, chr4:6,292,678, plus strand): 5'-GTGGGGTAGACTCTGCAGTCTGAGGCACTGGGAGCTCCTGTCCTGGAGAAGATAGACAGG[C>T]AGGAGGCTTGGGGGCTCAGTATCAATGGGGGGATGGGCCAAGACCCAGGTCTGCCACAGA-3'